The following is an entry in ClinVar:

NM_001372044.2(SHANK3):c.677G>A (p.Cys226Tyr)

Gene: SHANK3 (SH3 and multiple ankyrin repeat domains 3; plus strand). Cytogenetic location: 22q13.33.
Variant type: single nucleotide variant.
Coding change: c.677G>A on transcript NM_001372044.2 (MANE Select); coding-DNA position 677, G replaced by A.
Protein change: p.Cys226Tyr; replaces cysteine 226 with tyrosine.
Molecular consequence: missense variant.
Genome position (GRCh38, 1-based): chr22:50,678,772, G>A. VCF-style: chr22-50678772-G-A. GRCh37 (hg19) VCF-style: chr22-51117200-G-A.
Other names: c.452G>A, p.Cys151Tyr (NM_033517.1); short protein forms C151Y, C226Y.
Identifiers: ClinVar variation 2430831 (VCV002430831.1), dbSNP rs767264001, ClinGen allele CA515253072.
Genomic context (GRCh38, chr22:50,678,772, plus strand): 5'-GAGGGGCATGGCCTTTGCGCGGCTGGGAGCCTGACCCTTATCTGTCTGTGAACCCAGAGT[G>A]CCCCCTGAGCCTCGCAGCCCAGCTGGACAACGCCACGGACCTGCTAAAGGTGCTGAAGAA-3'
Protein context (NP_001358973.1, residues 216-236): PNFHDPDSGE[Cys226Tyr]PLSLAAQLDN

ClinVar aggregate classification (germline): Uncertain significance (1 of 4 stars; one submission).

Submission:

GeneDx
Classification: Uncertain significance. Last evaluated: 2022-08-19. Review status: criteria provided, single submitter. Criteria: GeneDx Variant Classification Process June 2021. Collection method: clinical testing. Allele origin: germline. Affected: yes.
Comment: Not observed at significant frequency in large population cohorts (gnomAD); In silico analysis supports that this missense variant has a deleterious effect on protein structure/function; Has not been previously published as pathogenic or benign to our knowledge